The following is an entry in ClinVar:

ClinVar aggregate classification (germline): Uncertain significance (1 of 4 stars; one submission).

Conditions:
Inborn genetic diseases. Identifiers: MedGen C0950123, MeSH D030342.

gnomAD v4.1: 1 of 1,613,550 alleles (0.000062%); highest among the groups gnomAD compares: Non-Finnish European, 0.000085%; no homozygotes.

Submission:

Ambry Genetics
Classification: Uncertain significance for Inborn genetic diseases. Last evaluated: 2025-01-27. Review status: criteria provided, single submitter. Criteria: Ambry Variant Classification Scheme 2023. Collection method: clinical testing. Allele origin: germline.
Comment: The p.I818V variant (also known as c.2452A>G), located in coding exon 1 of the SAMD9L gene, results from an A to G substitution at nucleotide position 2452. The isoleucine at codon 818 is replaced by valine, an amino acid with highly similar properties. This amino acid position is conserved. In addition, this alteration is predicted to be tolerated by in silico analysis. Based on the available evidence, the clinical significance of this variant remains unclear.

NM_152703.5(SAMD9L):c.2452A>G (p.Ile818Val)

Gene: SAMD9L (sterile alpha motif domain containing 9 like; minus strand). Cytogenetic location: 7q21.2.
Variant type: single nucleotide variant.
Coding change: c.2452A>G on transcript NM_152703.5 (MANE Select); coding-DNA position 2452, A replaced by G.
Protein change: p.Ile818Val; replaces isoleucine 818 with valine.
Molecular consequence: missense variant.
Genome position (GRCh38, 1-based): chr7:93,133,520, T>C on the plus strand (A>G on the coding strand, the complement: SAMD9L is on the minus strand). VCF-style: chr7-93133520-T-C. GRCh37 (hg19) VCF-style: chr7-92762833-T-C.
Other names: c.2452A>G, p.Ile818Val (NM_001303496.3, NM_001303497.3, NM_001303498.3 and 5 more transcripts); short protein forms I818V.
Identifiers: ClinVar variation 3792358 (VCV003792358.1).
Genomic context (GRCh38, chr7:93,133,520, plus strand): 5'-TTAAGATAATTACCAATGTTTTTTCATATCGCAAATCCTTTTCTGCTAAAACGGAATGGA[T>C]GGCATTTTGTAGAAAGTAGACATTTTCTTGTTCTTCAAAATCATCCACAAGGAGAAGCAC-3'
Protein context (NP_689916.2, residues 808-828): QENVYFLQNA[Ile818Val]HSVLAEKDLR